The following is an entry in ClinVar:

NM_002591.4(PCK1):c.164G>A (p.Arg55Gln)

Gene: PCK1 (phosphoenolpyruvate carboxykinase 1; plus strand). Cytogenetic location: 20q13.31.
Variant type: single nucleotide variant.
Coding change: c.164G>A on transcript NM_002591.4 (MANE Select); coding-DNA position 164, G replaced by A.
Protein change: p.Arg55Gln; replaces arginine 55 with glutamine.
Molecular consequence: missense variant.
Genome position (GRCh38, 1-based): chr20:57,561,575, G>A. VCF-style: chr20-57561575-G-A. GRCh37 (hg19) VCF-style: chr20-56136631-G-A.
Other names: c.164G>A (NM_002591.3); short protein forms R55Q.
Identifiers: ClinVar variation 2163723 (VCV002163723.5), dbSNP rs28383585, ClinGen allele CA9921908.

ClinVar aggregate classification (germline): Conflicting classifications of pathogenicity. Review status: criteria provided, conflicting classifications (1 of 4 stars). 2 submissions from 2 submitters: Uncertain significance (1); Likely benign (1). Last evaluated 2025-05-06.

Conditions:
Inborn genetic diseases. Identifiers: MedGen C0950123, MeSH D030342.

Allele frequency attached by ClinVar (database versions not stated): gnomAD 0.00005; TOPMed 0.00005; ExAC 0.00007; 1000 Genomes Project 30x 0.00016; 1000 Genomes Project 0.00020.
gnomAD v4.1: 50 of 1,613,974 alleles (0.0031%); highest among the groups gnomAD compares: South Asian, 0.021%; no homozygotes.

Submissions (2):

Ambry Genetics
Classification: Likely benign for Inborn genetic diseases. Last evaluated: 2025-05-06. Review status: criteria provided, single submitter. Criteria: Ambry Variant Classification Scheme 2023. Collection method: clinical testing. Allele origin: germline.

Labcorp Genetics (formerly Invitae), Labcorp
Classification: Uncertain significance. Last evaluated: 2024-12-02. Review status: criteria provided, single submitter. Criteria: Invitae Variant Classification Sherloc (09022015). Collection method: clinical testing. Allele origin: germline.
Comment: This sequence change replaces arginine, which is basic and polar, with glutamine, which is neutral and polar, at codon 55 of the PCK1 protein (p.Arg55Gln). This variant is present in population databases (rs28383585, gnomAD 0.04%). This variant has not been reported in the literature in individuals affected with PCK1-related conditions. ClinVar contains an entry for this variant (Variation ID: 2163723). Invitae Evidence Modeling of protein sequence and biophysical properties (such as structural, functional, and spatial information, amino acid conservation, physicochemical variation, residue mobility, and thermodynamic stability) indicates that this missense variant is not expected to disrupt PCK1 protein function with a negative predictive value of 80%. In summary, the available evidence is currently insufficient to determine the role of this variant in disease. Therefore, it has been classified as a Variant of Uncertain Significance.